The following is an entry in ClinVar:

ClinVar aggregate classification (germline): Uncertain significance (1 of 4 stars; one submission).

Conditions:
Hereditary sensory neuropathy-deafness-dementia syndrome. Also called: HSN IE; Hereditary sensory neuropathy type IE; NEUROPATHY, HEREDITARY SENSORY, WITH HEARING LOSS AND DEMENTIA; Hereditary Sensory and Autonomic Neuropathy Type 1E (HSAN1E). Identifiers: Orphanet 456318, MedGen C3279885, MONDO:0013584, OMIM 614116.

Submission:

Labcorp Genetics (formerly Invitae), Labcorp
Classification: Uncertain significance for Hereditary sensory neuropathy-deafness-dementia syndrome. Last evaluated: 2025-12-16. Review status: criteria provided, single submitter. Criteria: Invitae Variant Classification Sherloc (09022015). Collection method: clinical testing. Allele origin: germline.
Comment: This sequence change replaces aspartic acid, which is acidic and polar, with histidine, which is basic and polar, at codon 291 of the DNMT1 protein (p.Asp291His). This variant is not present in population databases (gnomAD no frequency). This variant has not been reported in the literature in individuals affected with DNMT1-related conditions. An algorithm developed to predict the effect of missense changes on protein structure and function (PolyPhen-2) suggests that this variant is likely to be disruptive. In summary, the available evidence is currently insufficient to determine the role of this variant in disease. Therefore, it has been classified as a Variant of Uncertain Significance.

NM_001130823.3(DNMT1):c.871G>C (p.Asp291His)

Gene: DNMT1 (DNA methyltransferase 1; minus strand). Cytogenetic location: 19p13.2.
Variant type: single nucleotide variant.
Coding change: c.871G>C on transcript NM_001130823.3 (MANE Select); coding-DNA position 871, G replaced by C.
Protein change: p.Asp291His; replaces aspartic acid 291 with histidine.
Molecular consequence: missense variant.
Genome position (GRCh38, 1-based): chr19:10,166,618, C>G on the plus strand (G>C on the coding strand, the complement: DNMT1 is on the minus strand). VCF-style: chr19-10166618-C-G. GRCh37 (hg19) VCF-style: chr19-10277294-C-G.
Other names: c.823G>C, p.Asp275His (NM_001318730.2, NM_001379.4); c.508G>C, p.Asp170His (NM_001318731.2); short protein forms D170H, D275H, D291H.
Identifiers: ClinVar variation 4765232 (VCV004765232.1).